The following is an entry in ClinVar:

NM_014585.6(SLC40A1):c.396C>T (p.Cys132=)

Gene: SLC40A1 (solute carrier family 40 member 1; minus strand). Cytogenetic location: 2q32.2.
Variant type: single nucleotide variant.
Coding change: c.396C>T on transcript NM_014585.6 (MANE Select); coding-DNA position 396, C replaced by T.
Protein change: p.Cys132=; no amino-acid change (cysteine 132 retained).
Molecular consequence: synonymous variant.
Genome position (GRCh38, 1-based): chr2:189,571,833, G>A on the plus strand (C>T on the coding strand, the complement: SLC40A1 is on the minus strand). VCF-style: chr2-189571833-G-A. GRCh37 (hg19) VCF-style: chr2-190436559-G-A.
Identifiers: ClinVar variation 1115788 (VCV001115788.12), dbSNP rs780668934, ClinGen allele CA2024230.

ClinVar aggregate classification (germline): Likely benign. Review status: criteria provided, multiple submitters, no conflicts (2 of 4 stars). 3 submissions from 3 submitters: Likely benign (3). Last evaluated 2026-05-01.

Conditions:
Hemochromatosis type 4 (HFE4). Also called: HEMOCHROMATOSIS DUE TO DEFECT IN FERROPORTIN; HEMOCHROMATOSIS, AUTOSOMAL DOMINANT; Ferroportin disease. Identifiers: Orphanet 139491, Orphanet 647834, Orphanet 648562, MedGen C1853733, MONDO:0011631, OMIM 606069.

Allele frequency attached by ClinVar (database versions not stated): TOPMed 0.00002; gnomAD exomes 0.00005 and 0.00006; ExAC 0.00006; gnomAD 0.00008 and 0.00009.
gnomAD v4.1: 80 of 1,607,008 alleles (0.005%); highest among the groups gnomAD compares: Non-Finnish European, 0.0063%; no homozygotes.

Submissions (3):

CeGaT Center for Human Genetics Tuebingen
Classification: Likely benign. Last evaluated: 2026-05-01. Review status: criteria provided, single submitter. Criteria: CeGaT Center For Human Genetics Tuebingen Variant Classification Criteria Version 2. Collection method: clinical testing. Allele origin: germline. Affected: yes. Observed: 1 variant allele.
Comment: SLC40A1: BP4, BP7

Blueprint Genetics
Classification: Likely benign. Last evaluated: 2024-11-14. Review status: criteria provided, single submitter. Criteria: ACMG Guidelines, 2015. Collection method: clinical testing. Allele origin: germline.

Labcorp Genetics (formerly Invitae), Labcorp
Classification: Likely benign for Hemochromatosis type 4. Last evaluated: 2023-12-17. Review status: criteria provided, single submitter. Criteria: Invitae Variant Classification Sherloc (09022015). Collection method: clinical testing. Allele origin: germline.